The following is an entry in ClinVar:

ClinVar aggregate classification (germline): Pathogenic/Likely pathogenic. Review status: criteria provided, multiple submitters, no conflicts (2 of 4 stars). 9 submissions from 9 submitters: Pathogenic (2); Likely pathogenic (6). 1 of the submissions does not count toward it. Last evaluated 2025-07-27.

Conditions:
ACADVL-related disorder. Also called: ACADVL-related condition.
Very long chain acyl-CoA dehydrogenase deficiency (ACADVLD). Also called: VLCAD Deficiency; Very Long-Chain Acyl-Coenzyme A Dehydrogenase Deficiency. Identifiers: Orphanet 26793, MedGen C3887523, MONDO:0008723, OMIM 201475.

Allele frequency attached by ClinVar (database versions not stated): TOPMed below 0.00001; gnomAD 0.00003.

Submissions (9):

Labcorp Genetics (formerly Invitae), Labcorp
Classification: Likely pathogenic for Very long chain acyl-CoA dehydrogenase deficiency. Last evaluated: 2025-07-27. Review status: criteria provided, single submitter. Criteria: Invitae Variant Classification Sherloc (09022015). Collection method: clinical testing. Allele origin: germline.
Comment: This sequence change replaces serine, which is neutral and polar, with tryptophan, which is neutral and slightly polar, at codon 583 of the ACADVL protein (p.Ser583Trp). This variant is present in population databases (no rsID available, gnomAD 0.007%). This missense change has been observed in individual(s) with very long-chain acyl-CoA dehydrogenase deficiency (PMID: 9599005, 20480395, 26385305). ClinVar contains an entry for this variant (Variation ID: 426482). Invitae Evidence Modeling of protein sequence and biophysical properties (such as structural, functional, and spatial information, amino acid conservation, physicochemical variation, residue mobility, and thermodynamic stability) indicates that this missense variant is expected to disrupt ACADVL protein function with a positive predictive value of 80%. Experimental studies have shown that this missense change affects ACADVL function (PMID: 9599005). This variant disrupts the p.Ser583 amino acid residue in ACADVL. Other variant(s) that disrupt this residue have been determined to be pathogenic (PMID: 15210884, 16464760, 23774949). This suggests that this residue is clinically significant, and that variants that disrupt this residue are likely to be disease-causing. In summary, the currently available evidence indicates that the variant is pathogenic, but additional data are needed to prove that conclusively. Therefore, this variant has been classified as Likely Pathogenic.

Revvity Omics, Revvity
Classification: Likely pathogenic for Very long chain acyl-CoA dehydrogenase deficiency. Last evaluated: 2024-08-23. Review status: criteria provided, single submitter. Criteria: ACMG Guidelines, 2015. Collection method: clinical testing. Allele origin: germline.

GeneDx
Classification: Pathogenic. Last evaluated: 2024-08-21. Review status: criteria provided, single submitter. Criteria: GeneDx Variant Classification Process June 2021. Collection method: clinical testing. Allele origin: germline. Affected: yes.
Comment: Reported in individuals with positive newborn screens for very long chain acyl-CoA dehydrogenase deficiency, although it is unknown if these individuals harbored another ACADVL gene variant (PMID: 26385305); Functional analyses found that p.(S583W) is associated with impaired dimerization and 19% residual enzyme activity compared to wild type (PMID: 9599005); Not observed at significant frequency in large population cohorts (gnomAD); In silico analysis supports that this missense variant has a deleterious effect on protein structure/function; This variant is associated with the following publications: (PMID: 8554073, 30194637, 26385305, 9599005)

Natera, Inc.
Classification: Likely pathogenic for Very long chain acyl-CoA dehydrogenase deficiency. Last evaluated: 2024-04-30. Review status: criteria provided, single submitter. Criteria: Natera Variant Classification Schema (03/2026). Collection method: clinical testing. Allele origin: germline.
Comment: The c.1748C>G variant in ACADVL is a missense variant predicted to cause substitution of serine to tryptophan at amino acid 583. This variant is rare in the general population with a frequency below the threshold expected for the associated phenotype(s). Functional studies show that this variant may disrupt protein function (PMID: 9599005). A different variant at the same position has been determined to be Pathogenic or Likely Pathogenic. Computational prediction algorithms indicate this variant is likely to affect gene or protein function. Given the available evidence, this variant is classified as Likely Pathogenic.

Baylor Genetics
Classification: Likely pathogenic for Very long chain acyl-CoA dehydrogenase deficiency. Last evaluated: 2024-01-29. Review status: criteria provided, single submitter. Criteria: ACMG Guidelines, 2015. Collection method: clinical testing. Allele origin: unknown.

PreventionGenetics, part of Exact Sciences
Classification: Likely pathogenic for ACADVL-related condition. Last evaluated: 2023-01-12. Review status: criteria provided, single submitter. Criteria: ACMG Guidelines, 2015. Collection method: clinical testing. Allele origin: germline.
Comment: The ACADVL c.1748C>G variant is predicted to result in the amino acid substitution p.Ser583Trp. This variant was reported in individuals with very long chain acyl-CoA dehydrogenase deficiency, though a second variant was not identified in any of these reports (Hesse et al. 2018. PubMed ID: 30194637; Supplementary Table S2, Miller et al. 2015. PubMed ID: 26385305; Souri et al. 1998. PubMed ID: 9599005). In vitro models demonstrate that this variant disrupts ACADVL protein association with the inner mitochondrial membrane and dimer assembly (Souri et al. 1998. PubMed ID: 9599005). Residual ACADVL enzyme activity was reported to be only 28% of wild type in an individual heterozygous for the c.1748C>G change, further suggesting a loss of function mechanism (Hesse et al. 2018. PubMed ID: 30194637). This variant is reported in 0.0065% of alleles in individuals of European (Non-Finnish) descent in gnomAD. This variant is interpreted as pathogenic.

Women's Health and Genetics/Laboratory Corporation of America, LabCorp
Classification: Likely pathogenic for Very long chain acyl-CoA dehydrogenase deficiency. Last evaluated: 2022-06-10. Review status: criteria provided, single submitter. Criteria: LabCorp Variant Classification Summary - May 2015. Collection method: clinical testing. Allele origin: germline.
Comment: Variant summary: ACADVL c.1748C>G (p.Ser583Trp) results in a non-conservative amino acid change in the encoded protein sequence. Five of five in-silico tools predict a damaging effect of the variant on protein function. The variant was absent in 224028 control chromosomes (gnomAD). c.1748C>G has been reported in the literature in at least one individual affected with Very Long Chain Acyl-CoA Dehydrogenase Deficiency and in individuals identified through newborn screening (Souri_1998, Olsen_2010, Miller_2015, Hesse_2018). Experimental evidence demonstrated the variant affects protein function (Souri_1998). Two ClinVar submitters (evaluation after 2014) cite the variant as pathogenic/likely pathogenic and two ClinVar submitters (evaluation after 2014) cite it as uncertain significance. Based on the evidence outlined above, the variant was classified as likely pathogenic.

Wong Mito Lab, Molecular and Human Genetics, Baylor College of Medicine
Classification: Pathogenic for Very long chain acyl-CoA dehydrogenase deficiency. Last evaluated: 2019-11-01. Review status: criteria provided, single submitter. Criteria: ACMG Guidelines, 2015. Collection method: clinical testing. Allele origin: germline.
Comment: The NM_000018.3:c.1748C>G (NP_000009.1:p.Ser583Trp) [GRCH38: NC_000017.11:g.7224711C>G] variant in ACADVL gene is interpretated to be Pathogenic based on ACMG guidelines (PMID: 25741868). This variant has been reported in PMID: 9599005 . This variant meets the following evidence codes reported in the ACMG guidelines: PS1, PS3

Counsyl
Classification: Uncertain significance for Very long chain acyl-CoA dehydrogenase deficiency. Last evaluated: 2017-07-28. Review status: no assertion criteria provided. Collection method: clinical testing. Allele origin: unknown. Not counted in ClinVar's aggregate classification.

Literature cited by the submitters: PubMed 9599005 (cited by 5 submitters); PubMed 20480395 (cited by 3 submitters); PubMed 26385305 (cited by 3 submitters); PubMed 15210884 (cited by Labcorp Genetics (formerly Invitae), Labcorp); PubMed 16464760 (cited by Labcorp Genetics (formerly Invitae), Labcorp); PubMed 23774949 (cited by Labcorp Genetics (formerly Invitae), Labcorp); PubMed 30194637 (cited by Women's Health and Genetics/Laboratory Corporation of America, LabCorp).

NM_000018.4(ACADVL):c.1748C>G (p.Ser583Trp)

Gene: ACADVL (acyl-CoA dehydrogenase very long chain; plus strand). Cytogenetic location: 17p13.1.
Variant type: single nucleotide variant.
Coding change: c.1748C>G on transcript NM_000018.4 (MANE Select); coding-DNA position 1748, C replaced by G.
Protein change: p.Ser583Trp; replaces serine 583 with tryptophan.
Molecular consequence: missense variant.
Genome position (GRCh38, 1-based): chr17:7,224,711, C>G. VCF-style: chr17-7224711-C-G. GRCh37 (hg19) VCF-style: chr17-7128030-C-G.
Other names: c.1682C>G, p.Ser561Trp (NM_001033859.3); c.1817C>G, p.Ser606Trp (NM_001270447.2); c.1520C>G, p.Ser507Trp (NM_001270448.2); short protein forms S583W, S507W, S606W, S561W.
Identifiers: ClinVar variation 426482 (VCV000426482.22), dbSNP rs1085307648, ClinGen allele CA397725790.